The following is an entry in ClinVar:

ClinVar aggregate classification (germline): Uncertain significance (1 of 4 stars; one submission).

Submission:

Labcorp Genetics (formerly Invitae), Labcorp
Classification: Uncertain significance. Last evaluated: 2025-12-17. Review status: criteria provided, single submitter. Criteria: Invitae Variant Classification Sherloc (09022015). Collection method: clinical testing. Allele origin: germline.
Comment: This sequence change replaces glutamic acid, which is acidic and polar, with glutamine, which is neutral and polar, at codon 1003 of the KIDINS220 protein (p.Glu1003Gln). This variant is not present in population databases (gnomAD no frequency). This variant has not been reported in the literature in individuals affected with KIDINS220-related conditions. An algorithm developed to predict the effect of missense changes on protein structure and function (PolyPhen-2) suggests that this variant is likely to be disruptive. In summary, the available evidence is currently insufficient to determine the role of this variant in disease. Therefore, it has been classified as a Variant of Uncertain Significance.

NM_020738.4(KIDINS220):c.3007G>C (p.Glu1003Gln)

Gene: KIDINS220 (kinase D interacting substrate 220; minus strand). Cytogenetic location: 2p25.1.
Variant type: single nucleotide variant.
Coding change: c.3007G>C on transcript NM_020738.4 (MANE Select); coding-DNA position 3007, G replaced by C.
Protein change: p.Glu1003Gln; replaces glutamic acid 1003 with glutamine.
Molecular consequence: missense variant. On other transcripts: non-coding transcript variant (2).
Genome position (GRCh38, 1-based): chr2:8,770,674, C>G on the plus strand (G>C on the coding strand, the complement: KIDINS220 is on the minus strand). VCF-style: chr2-8770674-C-G. GRCh37 (hg19) VCF-style: chr2-8910804-C-G.
Other names: c.3010G>C, p.Glu1004Gln (NM_001348729.2, NM_001348731.2, NM_001348734.2 and 3 more transcripts); c.3007G>C, p.Glu1003Gln (NM_001348732.2, NM_001348735.2, NM_001348738.2 and 3 more transcripts); c.2881G>C, p.Glu961Gln (NM_001348736.2); short protein forms E1003Q, E961Q, E1004Q.
Identifiers: ClinVar variation 4733550 (VCV004733550.1).